The following is an entry in ClinVar:

NM_000264.5(PTCH1):c.4187G>A (p.Gly1396Glu)

Gene: PTCH1 (patched 1; minus strand). Cytogenetic location: 9q22.32.
Variant type: single nucleotide variant.
Coding change: c.4187G>A on transcript NM_000264.5 (MANE Select); coding-DNA position 4187, G replaced by A.
Protein change: p.Gly1396Glu; replaces glycine 1396 with glutamic acid.
Molecular consequence: missense variant. On other transcripts: non-coding transcript variant (1).
Genome position (GRCh38, 1-based): chr9:95,447,069, C>T on the plus strand (G>A on the coding strand, the complement: PTCH1 is on the minus strand). VCF-style: chr9-95447069-C-T. GRCh37 (hg19) VCF-style: chr9-98209351-C-T.
Other names: c.3989G>A, p.Gly1330Glu (NM_001083602.3); c.4184G>A, p.Gly1395Glu (NM_001083603.3); c.3734G>A, p.Gly1245Glu (NM_001083604.3, NM_001083605.3, NM_001083606.3 and 1 more transcripts); c.4031G>A, p.Gly1344Glu (NM_001354918.2); short protein forms G1245E, G1395E, G1344E, G1330E, G1396E.
Identifiers: ClinVar variation 944984 (VCV000944984.10), dbSNP rs747923595, ClinGen allele CA5137929.
Genomic context (GRCh38, chr9:95,447,069, plus strand): 5'-AAAGGCACGTGGGGGTCCTCAAACAGGCCGTGGTCAGTCTCAGGGTAGCCTGGGCAGAGT[C>T]CCCCTCGGGGGTTCCGCCCAGGCCCAGGGACAGGCGGCGGGTGCACGGCGACAGTCACGG-3'
Protein context (NP_000255.2, residues 1386-1406): VPGPGRNPRG[Gly1396Glu]LCPGYPETDH

ClinVar aggregate classification (germline): Uncertain significance. Review status: criteria provided, multiple submitters, no conflicts (2 of 4 stars). 3 submissions from 3 submitters: Uncertain significance (3). Last evaluated 2025-09-10.

Conditions:
Gorlin syndrome. Also called: Nevoid Basal Cell Carcinoma Syndrome; Basal cell nevus syndrome. Identifiers: Orphanet 377, MedGen C0004779, MONDO:0007187.
Hereditary cancer-predisposing syndrome. Also called: Neoplastic Syndromes, Hereditary; Hereditary neoplastic syndrome; Hereditary Cancer Syndrome; Tumor predisposition. Identifiers: Orphanet 140162, MedGen C0027672, MeSH D009386, MONDO:0015356.

Allele frequency attached by ClinVar (database versions not stated): ExAC 0.00001; gnomAD 0.00001; gnomAD exomes 0.00001; TOPMed 0.00002.
gnomAD v4.1: 6 of 1,613,942 alleles (0.00037%); highest among the groups gnomAD compares: African/African-American, 0.004%; no homozygotes.

Submissions (3):

Labcorp Genetics (formerly Invitae), Labcorp
Classification: Uncertain significance for Gorlin syndrome. Last evaluated: 2025-09-10. Review status: criteria provided, single submitter. Criteria: Invitae Variant Classification Sherloc (09022015). Collection method: clinical testing. Allele origin: germline.
Comment: This sequence change replaces glycine, which is neutral and non-polar, with glutamic acid, which is acidic and polar, at codon 1396 of the PTCH1 protein (p.Gly1396Glu). This variant is present in population databases (rs747923595, gnomAD 0.007%). This variant has not been reported in the literature in individuals affected with PTCH1-related conditions. ClinVar contains an entry for this variant (Variation ID: 944984). Invitae Evidence Modeling of protein sequence and biophysical properties (such as structural, functional, and spatial information, amino acid conservation, physicochemical variation, residue mobility, and thermodynamic stability) indicates that this missense variant is not expected to disrupt PTCH1 protein function with a negative predictive value of 95%. In summary, the available evidence is currently insufficient to determine the role of this variant in disease. Therefore, it has been classified as a Variant of Uncertain Significance.

Ambry Genetics
Classification: Uncertain significance for Hereditary cancer-predisposing syndrome. Last evaluated: 2024-03-30. Review status: criteria provided, single submitter. Criteria: Ambry Variant Classification Scheme 2023. Collection method: clinical testing. Allele origin: germline.
Comment: The p.G1396E variant (also known as c.4187G>A), located in coding exon 23 of the PTCH1 gene, results from a G to A substitution at nucleotide position 4187. The glycine at codon 1396 is replaced by glutamic acid, an amino acid with similar properties. This amino acid position is highly conserved in available vertebrate species. In addition, the in silico prediction for this alteration is inconclusive. Since supporting evidence is limited at this time, the clinical significance of this alteration remains unclear.

GeneDx
Classification: Uncertain significance. Last evaluated: 2024-01-30. Review status: criteria provided, single submitter. Criteria: GeneDx Variant Classification Process June 2021. Collection method: clinical testing. Allele origin: germline. Affected: yes.
Comment: In silico analysis supports that this missense variant does not alter protein structure/function; Has not been previously published as pathogenic or benign to our knowledge